The following is an entry in ClinVar:

NM_001042492.3(NF1):c.2325+3_2325+4dup

Gene: NF1 (neurofibromin 1; plus strand). Cytogenetic location: 17q11.2.
Variant type: Duplication.
Coding change: c.2325+3_2325+4dup on transcript NM_001042492.3 (MANE Select); bases 3 to 4 of the intron after coding-DNA position 2325, 2 bases duplicated (AT; older notation c.2325+3_2325+4dupAT).
Molecular consequence: splice donor variant.
Genome position (GRCh38, 1-based): chr17:31,227,294-31,227,295, AT duplicated; duplicating any 2 consecutive bases within chr17:31,227,293-31,227,295 gives the same sequence; the c. name uses the placement nearest the transcript's 3' end. VCF-style (leftmost placement, unchanged base first): chr17-31227292-G-GTA. GRCh37 (hg19) VCF-style: chr17-29554310-G-GTA.
Other names: c.2325+3_2325+4dup (NM_000267.4).
Identifiers: ClinVar variation 3723618 (VCV003723618.2).
Genomic context (GRCh38, chr17:31,227,292, plus strand): 5'-CAGAAAAGAGTGATGGCACTGCTGAGGCGCATTGAGCATCCCACTGCAGGAAACACTGAG[G>GTA]TATGCCCTTAGCAACAGAAACACCCCTCCCAGGCGCCCACCCTCAATTTGGAAGCCTCTT-3'

ClinVar aggregate classification (germline): Uncertain significance (1 of 4 stars; one submission).

Conditions:
Neurofibromatosis, type 1 (NF1). Also called: VON RECKLINGHAUSEN DISEASE; NEUROFIBROMATOSIS, TYPE I, SOMATIC; Peripheral type neurofibromatosis; Neurofibromatosis, type I. Identifiers: Orphanet 636, MedGen C0027831, MONDO:0018975, OMIM 162200. Disease mechanism: loss of function.

Submission:

Labcorp Genetics (formerly Invitae), Labcorp
Classification: Uncertain significance for Neurofibromatosis, type 1. Last evaluated: 2024-10-24. Review status: criteria provided, single submitter. Criteria: Invitae Variant Classification Sherloc (09022015). Collection method: clinical testing. Allele origin: germline.
Comment: This sequence change falls in intron 19 of the NF1 gene. It does not directly change the encoded amino acid sequence of the NF1 protein. It affects a nucleotide within the consensus splice site. This variant is not present in population databases (gnomAD no frequency). This variant has not been reported in the literature in individuals affected with NF1-related conditions. Variants that disrupt the consensus splice site are a relatively common cause of aberrant splicing (PMID: 17576681, 9536098). Algorithms developed to predict the effect of sequence changes on RNA splicing suggest that this variant is not likely to affect RNA splicing. In summary, the available evidence is currently insufficient to determine the role of this variant in disease. Therefore, it has been classified as a Variant of Uncertain Significance.

Literature cited by the submitters: PubMed 17576681; PubMed 9536098.